The following is an entry in ClinVar:

NM_000287.4(PEX6):c.898T>G (p.Ser300Ala)

Gene: PEX6 (peroxisomal biogenesis factor 6; minus strand). Cytogenetic location: 6p21.1.
Variant type: single nucleotide variant.
Coding change: c.898T>G on transcript NM_000287.4 (MANE Select); coding-DNA position 898, T replaced by G.
Protein change: p.Ser300Ala; replaces serine 300 with alanine.
Molecular consequence: missense variant. On other transcripts: non-coding transcript variant (1).
Genome position (GRCh38, 1-based): chr6:42,975,023, A>C on the plus strand (T>G on the coding strand, the complement: PEX6 is on the minus strand). VCF-style: chr6-42975023-A-C. GRCh37 (hg19) VCF-style: chr6-42942761-A-C.
Other names: c.634T>G, p.Ser212Ala (NM_001316313.2); short protein forms S212A, S300A.
Identifiers: ClinVar variation 2633662 (VCV002633662.1), dbSNP rs2481258843, ClinGen allele CA364160284.

ClinVar aggregate classification (germline): Uncertain significance (1 of 4 stars; one submission).

Conditions:
PEX6-related disorder. Also called: PEX6-related condition; PEX6-related disorders.

Submission:

PreventionGenetics, part of Exact Sciences
Classification: Uncertain significance for PEX6-related condition. Last evaluated: 2023-03-09. Review status: criteria provided, single submitter. Criteria: ACMG Guidelines, 2015. Collection method: clinical testing. Allele origin: germline.
Comment: The PEX6 c.898T>G variant is predicted to result in the amino acid substitution p.Ser300Ala. To our knowledge, this variant has not been reported in the literature or in a large population database, indicating this variant is rare. At this time, the clinical significance of this variant is uncertain due to the absence of conclusive functional and genetic evidence.